The following is an entry in ClinVar:

NC_000023.11:g.(?_100296257)_(100408617_?)dup

Gene: PCDH19 (protocadherin 19; minus strand). Cytogenetic location: Xq22.1.
Variant type: Duplication.
Identifiers: ClinVar variation 831023 (VCV000831023.1).

ClinVar aggregate classification (germline): Uncertain significance (1 of 4 stars; one submission).

Conditions:
Developmental and epileptic encephalopathy, 9 (DEE9). Also called: PCDH19-Related X-Linked Female-Limited Epilepsy with Mental Retardation; EPILEPSY, FEMALE-RESTRICTED, WITH MENTAL RETARDATION; JUBERG-HELLMAN SYNDROME; Early infantile epileptic encephalopathy 9. Identifiers: Orphanet 101039, Orphanet 2076, MedGen C1848137, MONDO:0010246, OMIM 300088. Disease mechanism: loss of function.

Submission:

Labcorp Genetics (formerly Invitae), Labcorp
Classification: Uncertain significance for Early infantile epileptic encephalopathy 9. Last evaluated: 2019-09-27. Review status: criteria provided, single submitter. Criteria: Invitae Variant Classification Sherloc (09022015). Collection method: clinical testing. Allele origin: germline.
Comment: This variant results in a copy number gain of the genomic region encompassing the full coding sequence of the PCDH19 gene. The boundaries of this event are unknown as they extend beyond the assayed region for this gene and therefore may encompass additional genes. As the precise location of this event is unknown, it may be in tandem or it may be located elsewhere in the genome. This variant has not been reported in the literature in individuals with PCDH19-related conditions. In summary, the available evidence is currently insufficient to determine the role of this variant in disease. Therefore, it has been classified as a Variant of Uncertain Significance.